The following is an entry in ClinVar:

ClinVar aggregate classification (germline): Uncertain significance (1 of 4 stars; one submission).

Submission:

Labcorp Genetics (formerly Invitae), Labcorp
Classification: Uncertain significance. Last evaluated: 2024-10-24. Review status: criteria provided, single submitter. Criteria: Invitae Variant Classification Sherloc (09022015). Collection method: clinical testing. Allele origin: germline.
Comment: This variant, c.1047_1049del, results in the deletion of 1 amino acid(s) of the NDUFS2 protein (p.Asn349del), but otherwise preserves the integrity of the reading frame. This variant is not present in population databases (gnomAD no frequency). This variant has not been reported in the literature in individuals affected with NDUFS2-related conditions. ClinVar contains an entry for this variant (Variation ID: 2080147). Experimental studies and prediction algorithms are not available or were not evaluated, and the functional significance of this variant is currently unknown. In summary, the available evidence is currently insufficient to determine the role of this variant in disease. Therefore, it has been classified as a Variant of Uncertain Significance.

NM_001377299.1(NDUFS2):c.1047_1049del (p.Asn349del)

Gene: NDUFS2 (NADH:ubiquinone oxidoreductase core subunit S2; plus strand). Cytogenetic location: 1q23.3.
Variant type: Deletion.
Coding change: c.1047_1049del on transcript NM_001377299.1 (MANE Select); coding-DNA positions 1047 to 1049, 3 bases deleted (CAA; older notation c.1047_1049delCAA).
Protein change: p.Asn349del; deletes asparagine 349.
Molecular consequence: inframe deletion. On other transcripts: inframe indel (1).
Genome position (GRCh38, 1-based): chr1:161,212,411-161,212,413, CAA deleted; deleting any 3 consecutive bases within chr1:161,212,409-161,212,413 gives the same sequence; the c. name uses the placement nearest the transcript's 3' end. VCF-style (leftmost placement, unchanged base first): chr1-161212408-AAAC-A. GRCh37 (hg19) VCF-style: chr1-161182198-AAAC-A.
Other names: c.1047_1049del, p.Asn349del (NM_001166159.2, NM_001377298.1, NM_001377300.1 and 3 more transcripts); c.969_971delCAA, p.Asn323del (NM_001410889.1); short protein forms N349del, N323del.
Identifiers: ClinVar variation 2080147 (VCV002080147.4), dbSNP rs2525721258, ClinGen allele CA2580061297.